The following is an entry in ClinVar:

NM_019888.3(MC3R):c.438C>G (p.Ile146Met)

Gene: MC3R (melanocortin 3 receptor; plus strand). Cytogenetic location: 20q13.2.
Variant type: single nucleotide variant.
Coding change: c.438C>G on transcript NM_019888.3 (MANE Select); coding-DNA position 438, C replaced by G.
Protein change: p.Ile146Met; replaces isoleucine 146 with methionine.
Molecular consequence: missense variant.
Genome position (GRCh38, 1-based): chr20:56,249,281, C>G. VCF-style: chr20-56249281-C-G. GRCh37 (hg19) VCF-style: chr20-54824337-C-G.
Other names: short protein forms I146M.
Identifiers: ClinVar variation 5001335 (VCV005001335.1).

ClinVar aggregate classification (germline): Uncertain significance (1 of 4 stars; one submission).

Conditions:
MC3R-related disorder. Also called: MC3R-related condition.

Submission:

PreventionGenetics, part of Exact Sciences
Classification: Uncertain significance for MC3R-related condition. Last evaluated: 2025-04-23. Review status: criteria provided, single submitter. Criteria: ACMG Guidelines, 2015. Collection method: clinical testing. Allele origin: germline.
Comment: The MC3R c.438C>G variant is predicted to result in the amino acid substitution p.Ile146Met. To our knowledge, this variant has not been reported in the literature or in a large population database (gnomAD), indicating this variant is rare. An alternate missense change at the same amino acid position (p.Ile146Asn) has been reported as a risk allele for obesity (Lee et al. 2002. PubMed ID: 11889220; Tao et al. 2004. PubMed ID: 15292330). At this time, the clinical significance of the c.438C>G (p.Ile146Met) variant is uncertain due to the absence of conclusive functional and genetic evidence.